The following is an entry in ClinVar:

ClinVar aggregate classification (germline): Pathogenic. Review status: criteria provided, multiple submitters, no conflicts (2 of 4 stars). 5 submissions from 5 submitters: Pathogenic (3). 2 of the submissions do not count toward it. Last evaluated 2025-02-14.

Conditions:
Hereditary cancer-predisposing syndrome. Also called: Neoplastic Syndromes, Hereditary; Hereditary Cancer Syndrome; Tumor predisposition; Hereditary neoplastic syndrome. Identifiers: Orphanet 140162, MedGen C0027672, MeSH D009386, MONDO:0015356.
Chuvash polycythemia. Also called: POLYCYTHEMIA, VHL-DEPENDENT. Identifiers: Orphanet 238557, MedGen C1837915, MONDO:0009892, OMIM 263400.
Von Hippel-Lindau syndrome (VHLS). Also called: VHL syndrome; Von Hippel-Lindau; von Hippel–Lindau syndrome. Identifiers: Orphanet 892, MedGen C0019562, MONDO:0008667, OMIM 193300. Disease mechanism: loss of function.

Submissions (5):

Ambry Genetics
Classification: Pathogenic for Hereditary cancer-predisposing syndrome. Last evaluated: 2025-02-14. Review status: criteria provided, single submitter. Criteria: Ambry Variant Classification Scheme 2023. Collection method: clinical testing. Allele origin: germline.
Comment: The p.V130L pathogenic mutation (also known as c.388G>C), located in coding exon 2 of the VHL gene, results from a G to C substitution at nucleotide position 388. The valine at codon 130 is replaced by leucine, an amino acid with highly similar properties. This variant was reported in individual(s) with features consistent with von Hippel-Lindau (VHL) syndrome (Zbar B et al. Hum Mutat. 1996;8(4):348-57; Dollfus H et al. Invest. Ophthalmol. Vis. Sci. 2002 Sep;43(9):3067-74; Gallou C et al. Hum. Mutat. 2004 Sep;24(3):215-24; Wang X et al. Urology. 2014 Mar;83(3):675.e1-5; Ambry internal data). This variant has also been detected in the compound heterozygous state in one individual with polycythemia (Pastore YD et al. Blood. 2003 Feb;101(4):1591-5). This variant is considered to be rare based on population cohorts in the Genome Aggregation Database (gnomAD). This amino acid position is highly conserved in available vertebrate species. In addition, this alteration is predicted to be deleterious by in silico analysis. Based on the supporting evidence, this variant is interpreted as a disease-causing mutation.

Labcorp Genetics (formerly Invitae), Labcorp
Classification: Pathogenic for Von Hippel-Lindau syndrome; Chuvash polycythemia. Last evaluated: 2024-05-09. Review status: criteria provided, single submitter. Criteria: Invitae Variant Classification Sherloc (09022015). Collection method: clinical testing. Allele origin: germline.
Comment: This sequence change replaces valine, which is neutral and non-polar, with leucine, which is neutral and non-polar, at codon 130 of the VHL protein (p.Val130Leu). This variant is not present in population databases (gnomAD no frequency). This missense change has been observed in individual(s) with erythrocytosis and/or von Hippel-Lindau syndrome (PMID: 9829912, 10570625, 12202531, 12393546, 24581539). In at least one individual the data is consistent with being in trans (on the opposite chromosome) from a pathogenic variant. ClinVar contains an entry for this variant (Variation ID: 2229). Advanced modeling of protein sequence and biophysical properties (such as structural, functional, and spatial information, amino acid conservation, physicochemical variation, residue mobility, and thermodynamic stability) performed at Invitae indicates that this missense variant is expected to disrupt VHL protein function with a positive predictive value of 95%. Experimental studies are conflicting or provide insufficient evidence to determine the effect of this variant on VHL function (PMID: 14556007). This variant disrupts the p.Val130 amino acid residue in VHL. Other variant(s) that disrupt this residue have been observed in individuals with VHL-related conditions (PMID: 12624160, 20518900, 22393103), which suggests that this may be a clinically significant amino acid residue. For these reasons, this variant has been classified as Pathogenic.

Women's Health and Genetics/Laboratory Corporation of America, LabCorp
Classification: Pathogenic for Von Hippel-Lindau Syndrome. Last evaluated: 2011-08-18. Review status: criteria provided, single submitter. Criteria: LabCorp Variant Classification Summary - May 2015. Collection method: curation, clinical testing. Allele origin: germline. Inheritance: autosomal dominant. Affected: yes. Observed: 6 variant alleles.
ClinVar note: Converted during submission from pathogenic to Pathogenic.

Genomic Diagnostic Laboratory, Division of Genomic Diagnostics, Children's Hospital of Philadelphia
Classification: Pathogenic for Von Hippel-Lindau syndrome. Last evaluated: 2016-02-26. Review status: no assertion criteria provided. Collection method: clinical testing. Allele origin: germline. Affected: yes. Observed: 8 variant alleles. Not counted in ClinVar's aggregate classification.

OMIM
Classification: Pathogenic for ERYTHROCYTOSIS, FAMILIAL, 2. Last evaluated: 2003-08-01. Review status: no assertion criteria provided. Collection method: literature only. Allele origin: germline. Not counted in ClinVar's aggregate classification.

Literature cited by the submitters: PubMed 12202531 (cited by 3 submitters); PubMed 12393546 (cited by 3 submitters); PubMed 15300849 (cited by Ambry Genetics and Women's Health and Genetics/Laboratory Corporation of America, LabCorp); PubMed 24581539 (cited by Ambry Genetics and Labcorp Genetics (formerly Invitae), Labcorp); PubMed 8956040 (cited by Ambry Genetics and Women's Health and Genetics/Laboratory Corporation of America, LabCorp); PubMed 9829912 (cited by Labcorp Genetics (formerly Invitae), Labcorp and Women's Health and Genetics/Laboratory Corporation of America, LabCorp); PubMed 10570625 (cited by Labcorp Genetics (formerly Invitae), Labcorp and Women's Health and Genetics/Laboratory Corporation of America, LabCorp); PubMed 14556007 (cited by Labcorp Genetics (formerly Invitae), Labcorp); PubMed 12624160 (cited by Labcorp Genetics (formerly Invitae), Labcorp); PubMed 20518900 (cited by Labcorp Genetics (formerly Invitae), Labcorp); PubMed 22393103 (cited by Labcorp Genetics (formerly Invitae), Labcorp); PubMed 16210343 (cited by Women's Health and Genetics/Laboratory Corporation of America, LabCorp); PubMed 11921283 (cited by Women's Health and Genetics/Laboratory Corporation of America, LabCorp); PubMed 8187067 (cited by Women's Health and Genetics/Laboratory Corporation of America, LabCorp); PubMed 7553625 (cited by Women's Health and Genetics/Laboratory Corporation of America, LabCorp); PubMed 7915601 (cited by Women's Health and Genetics/Laboratory Corporation of America, LabCorp); PubMed 14722919 (cited by Women's Health and Genetics/Laboratory Corporation of America, LabCorp); PubMed 12844285 (cited by OMIM).

NM_000551.4(VHL):c.388G>C (p.Val130Leu)

Genes: VHL (von Hippel-Lindau tumor suppressor; plus strand), LOC107303340 (3p25 von Hippel-Lindau tumor suppressor, E3 ubiquitin protein ligase Alu-mediated recombination region; plus strand). Cytogenetic location: 3p25.3.
Variant type: single nucleotide variant.
Coding change: c.388G>C on transcript NM_000551.4 (MANE Select); coding-DNA position 388, G replaced by C.
Protein change: p.Val130Leu; replaces valine 130 with leucine.
Molecular consequence: missense variant. On other transcripts: intron variant (2).
Genome position (GRCh38, 1-based): chr3:10,146,561, G>C. VCF-style: chr3-10146561-G-C. GRCh37 (hg19) VCF-style: chr3-10188245-G-C.
Other names: c.*18-3226G>C (NM_001354723.2); c.341-3226G>C (NM_198156.3); short protein forms V130L.
Identifiers: ClinVar variation 2229 (VCV000002229.18), dbSNP rs104893830, ClinGen allele CA020325.